The following is an entry in ClinVar:

NM_001364857.2(ADGRB2):c.4555G>A (p.Glu1519Lys)

Gene: ADGRB2 (adhesion G protein-coupled receptor B2; minus strand). Cytogenetic location: 1p35.2.
Variant type: single nucleotide variant.
Coding change: c.4555G>A on transcript NM_001364857.2 (MANE Select); coding-DNA position 4555, G replaced by A.
Protein change: p.Glu1519Lys; replaces glutamic acid 1519 with lysine.
Molecular consequence: missense variant.
Genome position (GRCh38, 1-based): chr1:31,728,042, C>T on the plus strand (G>A on the coding strand, the complement: ADGRB2 is on the minus strand). VCF-style: chr1-31728042-C-T. GRCh37 (hg19) VCF-style: chr1-32193643-C-T.
Other names: c.4552G>A, p.Glu1518Lys (NM_001294335.2); c.4453G>A, p.Glu1485Lys (NM_001294336.2); short protein forms E1518K, E1485K, E1519K.
Identifiers: ClinVar variation 1409742 (VCV001409742.8), dbSNP rs576638646, ClinGen allele CA734995.

ClinVar aggregate classification (germline): Uncertain significance (1 of 4 stars; one submission).

Allele frequency attached by ClinVar (database versions not stated): gnomAD exomes 0.00002 and 0.00004; ExAC 0.00010; 1000 Genomes Project 0.00020; 1000 Genomes Project 30x 0.00031.
gnomAD v4.1: 72 of 1,582,954 alleles (0.0045%); highest among the groups gnomAD compares: East Asian, 0.0092%; no homozygotes.

Submission:

Labcorp Genetics (formerly Invitae), Labcorp
Classification: Uncertain significance. Last evaluated: 2021-04-10. Review status: criteria provided, single submitter. Criteria: Invitae Variant Classification Sherloc (09022015). Collection method: clinical testing. Allele origin: germline.
Comment: In summary, the available evidence is currently insufficient to determine the role of this variant in disease. Therefore, it has been classified as a Variant of Uncertain Significance. Algorithms developed to predict the effect of missense changes on protein structure and function output the following: SIFT: "Tolerated"; PolyPhen-2: "Benign"; Align-GVGD: "Class C0". The lysine amino acid residue is found in multiple mammalian species, suggesting that this missense change does not adversely affect protein function. These predictions have not been confirmed by published functional studies and their clinical significance is uncertain. This variant has not been reported in the literature in individuals with ADGRB2-related conditions. This variant is present in population databases (rs576638646, ExAC 0.5%). This sequence change replaces glutamic acid with lysine at codon 1485 of the ADGRB2 protein (p.Glu1485Lys). The glutamic acid residue is weakly conserved and there is a small physicochemical difference between glutamic acid and lysine.